The following is an entry in ClinVar:

ClinVar aggregate classification (germline): Uncertain significance (1 of 4 stars; one submission).

Conditions:
Jeune thoracic dystrophy. Also called: Jeune syndrome; Infantile thoracic dystrophy; Thoracic pelvic phalangeal dystrophy; Jeune's syndrome; Chondroectodermal dysplasia-like syndrome; Short-rib thoracic dysplasia. Identifiers: Orphanet 474, MedGen C0265275, MONDO:0018770.
Nephronophthisis. Also called: Juvenile Nephronophthisis. Identifiers: Orphanet 655, MedGen C0687120, MONDO:0019005, HP:0000090.

Allele frequency attached by ClinVar (database versions not stated): ExAC 0.00001; gnomAD exomes 0.00001.
gnomAD v4.1: 7 of 1,613,066 alleles (0.00043%); highest among the groups gnomAD compares: South Asian, 0.0066%; no homozygotes.

Submission:

Labcorp Genetics (formerly Invitae), Labcorp
Classification: Uncertain significance for Jeune thoracic dystrophy; Nephronophthisis. Last evaluated: 2024-01-06. Review status: criteria provided, single submitter. Criteria: Invitae Variant Classification Sherloc (09022015). Collection method: clinical testing. Allele origin: germline.
Comment: This sequence change replaces phenylalanine, which is neutral and non-polar, with valine, which is neutral and non-polar, at codon 447 of the TTC21B protein (p.Phe447Val). This variant is present in population databases (rs779140702, gnomAD 0.003%). This variant has not been reported in the literature in individuals affected with TTC21B-related conditions. Advanced modeling of protein sequence and biophysical properties (such as structural, functional, and spatial information, amino acid conservation, physicochemical variation, residue mobility, and thermodynamic stability) has been performed at Invitae for this missense variant, however the output from this modeling did not meet the statistical confidence thresholds required to predict the impact of this variant on TTC21B protein function. In summary, the available evidence is currently insufficient to determine the role of this variant in disease. Therefore, it has been classified as a Variant of Uncertain Significance.

NM_024753.5(TTC21B):c.1339T>G (p.Phe447Val)

Gene: TTC21B (tetratricopeptide repeat domain 21B; minus strand). Cytogenetic location: 2q24.3.
Variant type: single nucleotide variant.
Coding change: c.1339T>G on transcript NM_024753.5 (MANE Select); coding-DNA position 1339, T replaced by G.
Protein change: p.Phe447Val; replaces phenylalanine 447 with valine.
Molecular consequence: missense variant.
Genome position (GRCh38, 1-based): chr2:165,929,182, A>C on the plus strand (T>G on the coding strand, the complement: TTC21B is on the minus strand). VCF-style: chr2-165929182-A-C. GRCh37 (hg19) VCF-style: chr2-166785692-A-C.
Other names: short protein forms F447V.
Identifiers: ClinVar variation 2927797 (VCV002927797.3), dbSNP rs779140702, ClinGen allele CA1942174.
Genomic context (GRCh38, chr2:165,929,182, plus strand): 5'-CATAATTACTTACCTGCATTGGACAGAAGCTCAGATACTCCATAACAATTTCTAACAAGA[A>C]ATCAGGATTTAGCTTTTCAAAATACTGTATGCCAAGAGGCAAACCTTCTAATTGTGAAAA-3'
Protein context (NP_079029.3, residues 437-457): IQYFEKLNPD[Phe447Val]LLEIVMEYLS